The following is an entry in ClinVar:

ClinVar aggregate classification (germline): Pathogenic (1 of 4 stars; one submission).

Conditions:
Hereditary spastic paraplegia 4. Also called: Spastic Paraplegia 4; Familial spastic paraplegia autosomal dominant 2; Spastic paraplegia 4, autosomal dominant. Identifiers: Orphanet 100985, MedGen C1866855, MONDO:0008438, OMIM 182601.

Submission:

Human Genetics Bochum, Ruhr University Bochum
Classification: Pathogenic for Hereditary spastic paraplegia 4. Last evaluated: 2023-11-24. Review status: criteria provided, single submitter. Criteria: ACMG Guidelines, 2015. Collection method: clinical testing. Allele origin: germline. Affected: yes.
Comment: ACMG criteria used to clasify this variant: PVS1, PM1, PM2_SUP

Literature cited by the submitters: PubMed 12124993; PubMed 37563452.

NM_014946.4(SPAST):c.1115del (p.Arg372fs)

Gene: SPAST (spastin; plus strand). Cytogenetic location: 2p22.3.
Variant type: Deletion.
Coding change: c.1115del on transcript NM_014946.4 (MANE Select); coding-DNA position 1115, one base deleted (G; older notation c.1115delG).
Protein change: p.Arg372fs; shifts the reading frame from arginine 372.
Molecular consequence: frameshift variant.
Genome position (GRCh38, 1-based): chr2:32,126,964, G deleted. VCF-style (leftmost placement, unchanged base first): chr2-32126963-AG-A. GRCh37 (hg19) VCF-style: chr2-32352032-AG-A.
Other names: c.1112del, p.Arg371fs (NM_001363823.2); c.1016del, p.Arg339fs (NM_001363875.2); c.1019del, p.Arg340fs (NM_001377959.1, NM_199436.2); short protein forms R339fs, R340fs, R371fs, R372fs.
Identifiers: ClinVar variation 3027453 (VCV003027453.1), dbSNP rs2465860734, ClinGen allele CA2586964656.